The following is an entry in ClinVar:

NM_005585.5(SMAD6):c.256G>T (p.Ala86Ser)

Gene: SMAD6 (SMAD family member 6; plus strand). Cytogenetic location: 15q22.31.
Variant type: single nucleotide variant.
Coding change: c.256G>T on transcript NM_005585.5 (MANE Select); coding-DNA position 256, G replaced by T.
Protein change: p.Ala86Ser; replaces alanine 86 with serine.
Molecular consequence: missense variant. On other transcripts: non-coding transcript variant (1).
Genome position (GRCh38, 1-based): chr15:66,703,514, G>T. VCF-style: chr15-66703514-G-T. GRCh37 (hg19) VCF-style: chr15-66995852-G-T.
Other names: short protein forms A86S.
Identifiers: ClinVar variation 3445907 (VCV003445907.1).
Genomic context (GRCh38, chr15:66,703,514, plus strand): 5'-CGGCGGCCCCGGGACGCAGTGGGACAGCGAGGCGCCCAGGGCGCGGGGAGGCGCCGGCGC[G>T]CAGGGGGCCCCCCGAGGCCCATGTCGGAGCCAGGGGCCGGCGCTGGGAGCTCCCTGCTGG-3'
Protein context (NP_005576.3, residues 76-96): GAQGAGRRRR[Ala86Ser]GGPPRPMSEP

ClinVar aggregate classification (germline): Uncertain significance (1 of 4 stars; one submission).

Conditions:
Inborn genetic diseases. Identifiers: MedGen C0950123, MeSH D030342.

gnomAD v4.1: 1 of 1,223,260 alleles (0.000082%); highest among the groups gnomAD compares: Non-Finnish European, 0.0001%; no homozygotes.

Submission:

Ambry Genetics
Classification: Uncertain significance for Inborn genetic diseases. Last evaluated: 2024-11-13. Review status: criteria provided, single submitter. Criteria: Ambry Variant Classification Scheme 2023. Collection method: clinical testing. Allele origin: germline.
Comment: The p.A86S variant (also known as c.256G>T), located in coding exon 1 of the SMAD6 gene, results from a G to T substitution at nucleotide position 256. The alanine at codon 86 is replaced by serine, an amino acid with similar properties. This amino acid position is conserved. In addition, this alteration is predicted to be tolerated by in silico analysis. Based on the available evidence, the clinical significance of this variant remains unclear.